The following is an entry in ClinVar:

ClinVar aggregate classification (germline): Likely pathogenic. Review status: criteria provided, single submitter (1 of 4 stars). 3 submissions from 3 submitters: Likely pathogenic (1). 2 of the submissions do not count toward it. Last evaluated 2021-04-02.

Conditions:
Familial long QT syndrome (RWS). Also called: Romano-Ward syndrome; VENTRICULAR FIBRILLATION WITH PROLONGED QT INTERVAL; Congenital long QT syndrome. Identifiers: Orphanet 768, MedGen C1141890, MONDO:0019171.
Long QT syndrome (LQTS). Identifiers: MedGen C0023976, MeSH D008133, MONDO:0002442. Disease mechanism: loss of function. Inheritance: Various modes of inheritance.
Long QT syndrome 1 (LQT1). Identifiers: Orphanet 101016, Orphanet 768, MedGen C4551647, MONDO:0100316, OMIM 192500, MONDO:0008646.

Submissions (3):

Labcorp Genetics (formerly Invitae), Labcorp
Classification: Likely pathogenic for Long QT syndrome. Last evaluated: 2021-04-02. Review status: criteria provided, single submitter. Criteria: Invitae Variant Classification Sherloc (09022015). Collection method: clinical testing. Allele origin: germline.
Comment: In summary, the currently available evidence indicates that the variant is pathogenic, but additional data are needed to prove that conclusively. Therefore, this variant has been classified as Likely Pathogenic. This variant disrupts the p.Pro117 amino acid residue in KCNQ1. Other variant(s) that disrupt this residue have been observed in individuals with KCNQ1-related conditions (Invitae), which suggests that this may be a clinically significant amino acid residue. Experimental studies have shown that this variant affects KCNQ1 protein function (PMID: 19114714, 17053194, 29532034). This variant has been observed in individual(s) with clinical features of long QT syndrome (PMID: 11684219, 19716085, 30079003). ClinVar contains an entry for this variant (Variation ID: 3141). This variant is not present in population databases (ExAC no frequency). This sequence change replaces proline with leucine at codon 117 of the KCNQ1 protein (p.Pro117Leu). The proline residue is highly conserved and there is a moderate physicochemical difference between proline and leucine.

OMIM
Classification: Pathogenic for LONG QT SYNDROME 1. Last evaluated: 2001-10-20. Review status: no assertion criteria provided. Collection method: literature only. Allele origin: germline. Not counted in ClinVar's aggregate classification.

Cardiovascular Biomedical Research Unit, Royal Brompton & Harefield NHS Foundation Trust
No classification provided. Condition: Familial long QT syndrome. Review status: no classification provided. Collection method: literature only. Allele origin: germline. Not counted in ClinVar's aggregate classification.
Comment: This variant has been reported as associated with Long QT syndrome in the following publications (PMID:11684219;PMID:17053194;PMID:19114714;PMID:19716085). This is a literature report, and does not necessarily reflect the clinical interpretation of the Imperial College / Royal Brompton Cardiovascular Genetics laboratory.

Literature cited by the submitters: PubMed 19114714 (cited by Labcorp Genetics (formerly Invitae), Labcorp and Cardiovascular Biomedical Research Unit, Royal Brompton & Harefield NHS Foundation Trust); PubMed 17053194 (cited by Labcorp Genetics (formerly Invitae), Labcorp and Cardiovascular Biomedical Research Unit, Royal Brompton & Harefield NHS Foundation Trust); PubMed 29532034 (cited by Labcorp Genetics (formerly Invitae), Labcorp); PubMed 11684219 (cited by 3 submitters); PubMed 19716085 (cited by Labcorp Genetics (formerly Invitae), Labcorp and Cardiovascular Biomedical Research Unit, Royal Brompton & Harefield NHS Foundation Trust); PubMed 30079003 (cited by Labcorp Genetics (formerly Invitae), Labcorp); PubMed 22581653 (cited by Cardiovascular Biomedical Research Unit, Royal Brompton & Harefield NHS Foundation Trust).

NM_000218.3(KCNQ1):c.350C>T (p.Pro117Leu)

Gene: KCNQ1 (potassium voltage-gated channel subfamily Q member 1; plus strand). Cytogenetic location: 11p15.5.
Variant type: single nucleotide variant.
Coding change: c.350C>T on transcript NM_000218.3 (MANE Select); coding-DNA position 350, C replaced by T.
Protein change: p.Pro117Leu; replaces proline 117 with leucine.
Molecular consequence: missense variant.
Genome position (GRCh38, 1-based): chr11:2,445,448, C>T. VCF-style: chr11-2445448-C-T. GRCh37 (hg19) VCF-style: chr11-2466678-C-T.
Other names: c.350C>T (LRG_287t1); short protein forms P117L.
Identifiers: ClinVar variation 3141 (VCV000003141.8), dbSNP rs120074191, ClinGen allele CA006854.